The following is an entry in ClinVar:

NM_002047.4(GARS1):c.1499G>C (p.Ser500Thr)

Gene: GARS1 (glycyl-tRNA synthetase 1; plus strand). Cytogenetic location: 7p14.3.
Variant type: single nucleotide variant.
Coding change: c.1499G>C on transcript NM_002047.4 (MANE Select); coding-DNA position 1499, G replaced by C.
Protein change: p.Ser500Thr; replaces serine 500 with threonine.
Molecular consequence: missense variant.
Genome position (GRCh38, 1-based): chr7:30,622,348, G>C. VCF-style: chr7-30622348-G-C. GRCh37 (hg19) VCF-style: chr7-30661964-G-C.
Other names: c.1337G>C, p.Ser446Thr (NM_001316772.1); short protein forms S500T, S446T.
Identifiers: ClinVar variation 2706796 (VCV002706796.3), dbSNP rs1783029238, ClinGen allele CA367128664.

ClinVar aggregate classification (germline): Uncertain significance (1 of 4 stars; one submission).

Conditions:
Charcot-Marie-Tooth disease type 2. Also called: Charcot-Marie-Tooth type 2. Identifiers: Orphanet 64746, MedGen C0270914, MONDO:0018993.

Submission:

Labcorp Genetics (formerly Invitae), Labcorp
Classification: Uncertain significance for Charcot-Marie-Tooth disease type 2. Last evaluated: 2023-12-31. Review status: criteria provided, single submitter. Criteria: Invitae Variant Classification Sherloc (09022015). Collection method: clinical testing. Allele origin: germline.
Comment: This sequence change replaces serine, which is neutral and polar, with threonine, which is neutral and polar, at codon 500 of the GARS protein (p.Ser500Thr). This variant is not present in population databases (gnomAD no frequency). This variant has not been reported in the literature in individuals affected with GARS-related conditions. Advanced modeling of protein sequence and biophysical properties (such as structural, functional, and spatial information, amino acid conservation, physicochemical variation, residue mobility, and thermodynamic stability) performed at Invitae indicates that this missense variant is not expected to disrupt GARS protein function with a negative predictive value of 95%. In summary, the available evidence is currently insufficient to determine the role of this variant in disease. Therefore, it has been classified as a Variant of Uncertain Significance.